The following is an entry in ClinVar:

ClinVar aggregate classification (germline): Likely benign. Review status: criteria provided, single submitter (1 of 4 stars). 2 submissions from 2 submitters: Likely benign (1). 1 of the submissions does not count toward it. Last evaluated 2024-10-21.

Conditions:
PCNT-related disorder. Also called: PCNT-related condition.

Allele frequency attached by ClinVar (database versions not stated): TOPMed below 0.00001; gnomAD 0.00001; ExAC 0.00002.
gnomAD v4.1: 42 of 1,613,914 alleles (0.0026%); highest among the groups gnomAD compares: Non-Finnish European, 0.0032%; no homozygotes.

Submissions (2):

Labcorp Genetics (formerly Invitae), Labcorp
Classification: Likely benign. Last evaluated: 2024-10-21. Review status: criteria provided, single submitter. Criteria: Invitae Variant Classification Sherloc (09022015). Collection method: clinical testing. Allele origin: germline.

PreventionGenetics, part of Exact Sciences
Classification: Likely benign for PCNT-related condition. Last evaluated: 2024-03-09. Review status: no assertion criteria provided. Collection method: clinical testing. Allele origin: germline. Not counted in ClinVar's aggregate classification.
Comment: This variant is classified as likely benign based on ACMG/AMP sequence variant interpretation guidelines (Richards et al. 2015 PMID: 25741868, with internal and published modifications).

NM_006031.6(PCNT):c.8160G>A (p.Lys2720=)

Gene: PCNT (pericentrin; plus strand). Cytogenetic location: 21q22.3.
Variant type: single nucleotide variant.
Coding change: c.8160G>A on transcript NM_006031.6 (MANE Select); coding-DNA position 8160, G replaced by A.
Protein change: p.Lys2720=; no amino-acid change (lysine 2720 retained).
Molecular consequence: synonymous variant.
Genome position (GRCh38, 1-based): chr21:46,431,624, G>A. VCF-style: chr21-46431624-G-A. GRCh37 (hg19) VCF-style: chr21-47851538-G-A.
Other names: c.8160G>A (NM_006031.5); c.7806G>A, p.Lys2602= (NM_001315529.2).
Identifiers: ClinVar variation 2900428 (VCV002900428.4), dbSNP rs772195074, ClinGen allele CA10080905.